The following is an entry in ClinVar:

ClinVar aggregate classification (germline): Benign/Likely benign. Review status: criteria provided, multiple submitters, no conflicts (2 of 4 stars). 7 submissions from 6 submitters: Benign (4); Likely benign (2). 1 of the submissions does not count toward it. Last evaluated 2026-02-04.

Conditions:
Holoprosencephaly 7 (HPE7). Identifiers: Orphanet 2162, MedGen C1835820, MONDO:0012562, OMIM 610828.
Gorlin syndrome. Also called: Nevoid Basal Cell Carcinoma Syndrome; Basal cell nevus syndrome. Identifiers: Orphanet 377, MedGen C0004779, MONDO:0007187.
PTCH1-related disorder. Also called: PTCH1-related disorders; PTCH1-related condition.

Allele frequency attached by ClinVar (database versions not stated): gnomAD 0.00072 and 0.00105; gnomAD exomes 0.00114 and 0.00253; TOPMed 0.00117; ExAC 0.00249; 1000 Genomes Project 30x 0.00390; 1000 Genomes Project 0.00459.
gnomAD v4.1: 1,759 of 1,558,716 alleles (0.11%); highest among the groups gnomAD compares: East Asian, 3.7%; 35 homozygotes.

Submissions (7):

Labcorp Genetics (formerly Invitae), Labcorp
Classification: Benign for Gorlin syndrome. Last evaluated: 2026-02-04. Review status: criteria provided, single submitter. Criteria: Invitae Variant Classification Sherloc (09022015). Collection method: clinical testing. Allele origin: germline.

Quest Diagnostics Nichols Institute San Juan Capistrano
Classification: Benign. Last evaluated: 2025-07-31. Review status: criteria provided, single submitter. Criteria: Quest Diagnostics criteria. Collection method: clinical testing. Allele origin: unknown.

Center for Genomic Medicine, Rigshospitalet, Copenhagen University Hospital
Classification: Benign. Last evaluated: 2025-03-04. Review status: criteria provided, single submitter. Criteria: ACMG Guidelines, 2015. Collection method: clinical testing. Allele origin: germline.

GeneDx
Classification: Benign. Last evaluated: 2021-01-27. Review status: criteria provided, single submitter. Criteria: GeneDx Variant Classification Process June 2021. Collection method: clinical testing. Allele origin: germline. Affected: yes.

Illumina Laboratory Services, Illumina
Classification: Likely benign for Holoprosencephaly 7. Last evaluated: 2017-04-27. Review status: criteria provided, single submitter. Criteria: ICSL Variant Classification Criteria 13 December 2019. Collection method: clinical testing. Allele origin: germline.
Comment: This variant was observed as part of a predisposition screen in an ostensibly healthy population. A literature search was performed for the gene, cDNA change, and amino acid change (where applicable). No publications were found based on this search. Allele frequency data from public databases allowed determination this variant is unlikely to cause disease. Therefore, this variant is classified as likely benign.

Illumina Laboratory Services, Illumina
Classification: Likely benign for Basal cell nevus syndrome 1. Last evaluated: 2017-04-27. Review status: criteria provided, single submitter. Criteria: ICSL Variant Classification Criteria 13 December 2019. Collection method: clinical testing. Allele origin: germline.
Comment: the same text as in the submission from Illumina Laboratory Services, Illumina above.

PreventionGenetics, part of Exact Sciences
Classification: Benign for PTCH1-related condition. Last evaluated: 2022-10-03. Review status: no assertion criteria provided. Collection method: clinical testing. Allele origin: germline. Not counted in ClinVar's aggregate classification.
Comment: This variant is classified as benign based on ACMG/AMP sequence variant interpretation guidelines (Richards et al. 2015 PMID: 25741868, with internal and published modifications).

NM_000264.5(PTCH1):c.3805-9C>T

Gene: PTCH1 (patched 1; minus strand). Cytogenetic location: 9q22.32.
Variant type: single nucleotide variant.
Coding change: c.3805-9C>T on transcript NM_000264.5 (MANE Select); 9 bases into the intron before coding-DNA position 3805, C replaced by T.
Molecular consequence: intron variant.
Genome position (GRCh38, 1-based): chr9:95,447,460, G>A on the plus strand (C>T on the coding strand, the complement: PTCH1 is on the minus strand). VCF-style: chr9-95447460-G-A. GRCh37 (hg19) VCF-style: chr9-98209742-G-A.
Other names: c.3802-9C>T (NM_001083603.3); c.3607-9C>T (NM_001083602.3); c.3649-9C>T (NM_001354918.2); c.3352-9C>T (NM_001083605.3, NM_001083604.3, NM_001083606.3 and 1 more transcripts).
Identifiers: ClinVar variation 135896 (VCV000135896.22), dbSNP rs2236404, ClinGen allele CA332553.
Genomic context (GRCh38, chr9:95,447,460, plus strand): 5'-GCTGCTGTCTCGGGTTCGAGGGTGGGTGATGCCTGGATTCGGGATGGACCACCTGCAGAG[G>A]GTGAGGGTGGGTTAGAAGGGTGGTATCCCAGGCTGGGCATGGTCCCCGCAGCTCCCACAC-3'